The following is an entry in ClinVar:

NM_001002295.2(GATA3):c.370C>T (p.His124Tyr)

Gene: GATA3 (GATA binding protein 3; plus strand). Cytogenetic location: 10p14.
Variant type: single nucleotide variant.
Coding change: c.370C>T on transcript NM_001002295.2 (MANE Select); coding-DNA position 370, C replaced by T.
Protein change: p.His124Tyr; replaces histidine 124 with tyrosine.
Molecular consequence: missense variant.
Genome position (GRCh38, 1-based): chr10:8,058,433, C>T. VCF-style: chr10-8058433-C-T. GRCh37 (hg19) VCF-style: chr10-8100396-C-T.
Other names: c.370C>T, p.His124Tyr (NM_001441115.1, NM_001441116.1, NM_001441117.1 and 18 more transcripts); short protein forms H124Y.
Identifiers: ClinVar variation 4988044 (VCV004988044.1).

ClinVar aggregate classification (germline): Uncertain significance (1 of 4 stars; one submission).

Conditions:
GATA3-related disorder. Also called: GATA3-related condition.

gnomAD v4.1: 2 of 1,612,918 alleles (0.00012%); highest among the groups gnomAD compares: Admixed American, 0.0017%; no homozygotes.

Submission:

PreventionGenetics, part of Exact Sciences
Classification: Uncertain significance for GATA3-related condition. Last evaluated: 2025-10-11. Review status: criteria provided, single submitter. Criteria: ACMG Guidelines, 2015. Collection method: clinical testing. Allele origin: germline.
Comment: The GATA3 c.370C>T variant is predicted to result in the amino acid substitution p.His124Tyr. To our knowledge, this variant has not been reported in the literature. This variant is reported in 0.0029% of alleles in individuals of Latino descent in gnomAD. At this time, the clinical significance of this variant is uncertain due to the absence of conclusive functional and genetic evidence.